The following is an entry in ClinVar:

ClinVar aggregate classification (germline): Pathogenic (1 of 4 stars; one submission).

Conditions:
Inborn genetic diseases. Identifiers: MedGen C0950123, MeSH D030342.

Submission:

Ambry Genetics
Classification: Pathogenic for Inborn genetic diseases. Last evaluated: 2024-04-02. Review status: criteria provided, single submitter. Criteria: Ambry Variant Classification Scheme 2023. Collection method: clinical testing. Allele origin: germline.
Comment: The c.1010G>A (p.W337*) alteration, located in coding exon 9 of the STAG1 gene, consists of a G to A substitution at nucleotide position 1010. This changes the amino acid from a tryptophan (W) to a stop codon at amino acid position 337. This alteration is expected to result in loss of function by premature protein truncation or nonsense-mediated mRNA decay. This variant was not reported in population-based cohorts in the Genome Aggregation Database (gnomAD). Based on the available evidence, this alteration is classified as pathogenic.

NM_005862.3(STAG1):c.1010G>A (p.Trp337Ter)

Gene: STAG1 (STAG1 cohesin complex component; minus strand). Cytogenetic location: 3q22.3.
Variant type: single nucleotide variant.
Coding change: c.1010G>A on transcript NM_005862.3 (MANE Select); coding-DNA position 1010, G replaced by A.
Protein change: p.Trp337Ter; replaces tryptophan 337 with a stop codon.
Molecular consequence: nonsense.
Genome position (GRCh38, 1-based): chr3:136,477,305, C>T on the plus strand (G>A on the coding strand, the complement: STAG1 is on the minus strand). VCF-style: chr3-136477305-C-T. GRCh37 (hg19) VCF-style: chr3-136196147-C-T.
Other names: short protein forms W337*.
Identifiers: ClinVar variation 3323043 (VCV003323043.1).